The following is an entry in ClinVar:

NM_207352.4(CYP4V2):c.1308C>T (p.Pro436=)

Gene: CYP4V2 (cytochrome P450 family 4 subfamily V member 2; plus strand). Cytogenetic location: 4q35.2.
Variant type: single nucleotide variant.
Coding change: c.1308C>T on transcript NM_207352.4 (MANE Select); coding-DNA position 1308, C replaced by T.
Protein change: p.Pro436=; no amino-acid change (proline 436 retained).
Molecular consequence: synonymous variant.
Genome position (GRCh38, 1-based): chr4:186,209,175, C>T. VCF-style: chr4-186209175-C-T. GRCh37 (hg19) VCF-style: chr4-187130329-C-T.
Other names: c.1308C>T (NM_207352.3).
Identifiers: ClinVar variation 1635590 (VCV001635590.9), dbSNP rs139324591, ClinGen allele CA3162822.

ClinVar aggregate classification (germline): Likely benign. Review status: criteria provided, multiple submitters, no conflicts (2 of 4 stars). 2 submissions from 2 submitters: Likely benign (2). Last evaluated 2025-04-09.

Conditions:
CYP4V2-related disorder. Also called: CYP4V2-related disorders; CYP4V2-related condition.

Allele frequency attached by ClinVar (database versions not stated): gnomAD 0.00004 and 0.00005; ESP Exome Variant Server 0.00008; 1000 Genomes Project 0.00020; 1000 Genomes Project 30x 0.00031.

Submissions (2):

PreventionGenetics, part of Exact Sciences
Classification: Likely benign for CYP4V2-related condition. Last evaluated: 2025-04-09. Review status: criteria provided, single submitter. Criteria: ACMG Guidelines, 2015. Collection method: clinical testing. Allele origin: germline.
Comment: This variant is classified as likely benign based on ACMG/AMP sequence variant interpretation guidelines (Richards et al. 2015 PMID: 25741868, with internal and published modifications).

Labcorp Genetics (formerly Invitae), Labcorp
Classification: Likely benign. Last evaluated: 2024-09-27. Review status: criteria provided, single submitter. Criteria: Invitae Variant Classification Sherloc (09022015). Collection method: clinical testing. Allele origin: germline.